The following is an entry in ClinVar:

ClinVar aggregate classification (germline): Conflicting classifications of pathogenicity. Review status: criteria provided, conflicting classifications (1 of 4 stars). 6 submissions from 6 submitters: Uncertain significance (3); Likely benign (1). 2 of the submissions do not count toward it. Last evaluated 2026-01-12.

Conditions:
Familial focal epilepsy with variable foci (FPEVF). Identifiers: Orphanet 98820, MedGen C1858477, MONDO:0020310.
Inborn genetic diseases. Identifiers: MedGen C0950123, MeSH D030342.
Self-limited epilepsy with centrotemporal spikes. Also called: Childhood epilepsy with centrotemporal spikes; Rolandic epilepsy. Identifiers: Orphanet 1945, MedGen C0376532, MONDO:0007295.
Epilepsy, familial focal, with variable foci 1 (FFEVF1). Also called: DEPDC5-Related Epilepsy. Identifiers: MedGen C4551983, MONDO:0024556, OMIM 604364.

Allele frequency attached by ClinVar (database versions not stated): ExAC 0.00007; ESP Exome Variant Server 0.00008; TOPMed 0.00008; gnomAD exomes 0.00009 and 0.00013; gnomAD 0.00011.
gnomAD v4.1: 204 of 1,614,016 alleles (0.013%); highest among the groups gnomAD compares: Non-Finnish European, 0.017%; no homozygotes.

Submissions (6):

Labcorp Genetics (formerly Invitae), Labcorp
Classification: Uncertain significance for Familial focal epilepsy with variable foci. Last evaluated: 2026-01-12. Review status: criteria provided, single submitter. Criteria: Invitae Variant Classification Sherloc (09022015). Collection method: clinical testing. Allele origin: germline.
Comment: This sequence change replaces glutamic acid, which is acidic and polar, with alanine, which is neutral and non-polar, at codon 689 of the DEPDC5 protein (p.Glu689Ala). This variant is present in population databases (rs370940232, gnomAD 0.02%). This missense change has been observed in individual(s) with Rolandic epilepsy (PMID: 29358611). ClinVar contains an entry for this variant (Variation ID: 433142). Experimental studies and prediction algorithms are not available or were not evaluated, and the functional significance of this variant is currently unknown. In summary, the available evidence is currently insufficient to determine the role of this variant in disease. Therefore, it has been classified as a Variant of Uncertain Significance.

Women's Health and Genetics/Laboratory Corporation of America, LabCorp
Classification: Uncertain significance. Last evaluated: 2025-03-13. Review status: criteria provided, single submitter. Criteria: LabCorp Variant Classification Summary - May 2015. Collection method: clinical testing. Allele origin: germline.
Comment: Variant summary: DEPDC5 c.2066A>C (p.Glu689Ala) results in a non-conservative amino acid change in the encoded protein sequence. Three of five in-silico tools predict a benign effect of the variant on protein function. The variant allele was found at a frequency of 9.2e-05 in 249278 control chromosomes (gnomAD). c.2066A>C has been reported in the literature in individuals affected with DEPDC5-related conditions (Moortgat_2018, Bobbili_2018). These report(s) do not provide unequivocal conclusions about association of the variant with Epilepsy, Familial Focal, With Variable Foci 1. To our knowledge, no experimental evidence demonstrating an impact on protein function has been reported. ClinVar contains an entry for this variant (Variation ID: 433142). Based on the evidence outlined above, the variant was classified as uncertain significance.

CeGaT Center for Human Genetics Tuebingen
Classification: Uncertain significance. Last evaluated: 2019-10-01. Review status: criteria provided, single submitter. Criteria: CeGaT Center For Human Genetics Tuebingen Variant Classification Criteria Version 2. Collection method: clinical testing. Allele origin: germline. Affected: yes. Observed: 3 variant alleles.

Ambry Genetics
Classification: Likely benign for Inborn genetic diseases. Last evaluated: 2017-09-25. Review status: criteria provided, single submitter. Criteria: Ambry Variant Classification Scheme 2023. Collection method: clinical testing. Allele origin: germline.

Clinical Genetics Laboratory, University Hospital Schleswig-Holstein
Classification: Uncertain significance for Epilepsy, familial focal, with variable foci 1. Last evaluated: 2022-11-21. Review status: no assertion criteria provided. Collection method: clinical testing. Allele origin: germline. Affected: yes. Not counted in ClinVar's aggregate classification.

Bioinformatics Core, Luxembourg Center for Systems Biomedicine
Classification: Pathogenic for Self-limited epilepsy with centrotemporal spikes. Last evaluated: 2017-01-01. Review status: flagged submission. Collection method: case-control. Allele origin: germline. Affected: yes. Study: EUROEPINOMICS COGIE. Not counted in ClinVar's aggregate classification.
Comment: CAADphred>15
ClinVar note: Reason: Outlier claim with insufficient supporting evidence

Literature cited by the submitters: PubMed 29358611 (cited by 3 submitters); PubMed 29180823 (cited by Women's Health and Genetics/Laboratory Corporation of America, LabCorp).

NM_001242896.3(DEPDC5):c.2066A>C (p.Glu689Ala)

Gene: DEPDC5 (DEP domain containing 5, GATOR1 subcomplex subunit; plus strand). Cytogenetic location: 22q12.3.
Variant type: single nucleotide variant.
Coding change: c.2066A>C on transcript NM_001242896.3 (MANE Select); coding-DNA position 2066, A replaced by C.
Protein change: p.Glu689Ala; replaces glutamic acid 689 with alanine.
Molecular consequence: missense variant. On other transcripts: non-coding transcript variant (4), intron variant (3).
Genome position (GRCh38, 1-based): chr22:31,822,752, A>C. VCF-style: chr22-31822752-A-C. GRCh37 (hg19) VCF-style: chr22-32218738-A-C.
Other names: c.2066A>C, p.Glu689Ala (NM_001136029.4, NM_001363852.2, NM_001364318.2 and 3 more transcripts); c.1982A>C, p.Glu661Ala (NM_001369901.1, NM_001369902.1); c.1870+3527A>C (NM_001363854.2, NM_001242897.2, NM_001364319.2); short protein forms E689A, E661A.
Identifiers: ClinVar variation 433142 (VCV000433142.56), dbSNP rs370940232, ClinGen allele CA10196558.